The following is an entry in ClinVar:

ClinVar aggregate classification (germline): Uncertain significance (1 of 4 stars; one submission).

Submission:

Labcorp Genetics (formerly Invitae), Labcorp
Classification: Uncertain significance. Last evaluated: 2025-07-20. Review status: criteria provided, single submitter. Criteria: Invitae Variant Classification Sherloc (09022015). Collection method: clinical testing. Allele origin: germline.
Comment: This sequence change replaces cysteine, which is neutral and slightly polar, with serine, which is neutral and polar, at codon 505 of the CFH protein (p.Cys505Ser). This variant is not present in population databases (gnomAD no frequency). This variant has not been reported in the literature in individuals affected with CFH-related conditions. An algorithm developed to predict the effect of missense changes on protein structure and function (PolyPhen-2) suggests that this variant is likely to be disruptive. In summary, the available evidence is currently insufficient to determine the role of this variant in disease. Therefore, it has been classified as a Variant of Uncertain Significance.

NM_000186.4(CFH):c.1513T>A (p.Cys505Ser)

Gene: CFH (complement factor H; plus strand). Cytogenetic location: 1q31.3.
Variant type: single nucleotide variant.
Coding change: c.1513T>A on transcript NM_000186.4 (MANE Select); coding-DNA position 1513, T replaced by A.
Protein change: p.Cys505Ser; replaces cysteine 505 with serine.
Molecular consequence: missense variant.
Genome position (GRCh38, 1-based): chr1:196,713,911, T>A. VCF-style: chr1-196713911-T-A. GRCh37 (hg19) VCF-style: chr1-196683041-T-A.
Other names: short protein forms C505S.
Identifiers: ClinVar variation 4723122 (VCV004723122.1).